The following is an entry in ClinVar:

NM_001105206.3(LAMA4):c.4972G>A (p.Val1658Met)

Gene: LAMA4 (laminin subunit alpha 4; minus strand). Cytogenetic location: 6q21.
Variant type: single nucleotide variant.
Coding change: c.4972G>A on transcript NM_001105206.3 (MANE Select); coding-DNA position 4972, G replaced by A.
Protein change: p.Val1658Met; replaces valine 1658 with methionine.
Molecular consequence: missense variant.
Genome position (GRCh38, 1-based): chr6:112,117,748, C>T on the plus strand (G>A on the coding strand, the complement: LAMA4 is on the minus strand). VCF-style: chr6-112117748-C-T. GRCh37 (hg19) VCF-style: chr6-112438951-C-T.
Other names: c.4951G>A, p.Val1651Met (NM_001105207.3, NM_002290.5); short protein forms V1651M, V1658M.
Identifiers: ClinVar variation 541227 (VCV000541227.9), dbSNP rs149555058, ClinGen allele CA3964864.

ClinVar aggregate classification (germline): Uncertain significance. Review status: criteria provided, multiple submitters, no conflicts (2 of 4 stars). 3 submissions from 3 submitters: Uncertain significance (3). Last evaluated 2025-04-23.

Conditions:
Cardiovascular phenotype. Identifiers: MedGen CN230736.
Dilated cardiomyopathy 1JJ (CMD1JJ). Identifiers: Orphanet 154, MedGen C3808935, MONDO:0014095, OMIM 615235.

Allele frequency attached by ClinVar (database versions not stated): TOPMed 0.00001; gnomAD 0.00002; gnomAD exomes 0.00003; ExAC 0.00004; ESP Exome Variant Server 0.00008.
gnomAD v4.1: 53 of 1,613,154 alleles (0.0033%); highest among the groups gnomAD compares: East Asian, 0.0089%; no homozygotes.

Submissions (3):

Labcorp Genetics (formerly Invitae), Labcorp
Classification: Uncertain significance for Dilated cardiomyopathy 1JJ. Last evaluated: 2025-04-23. Review status: criteria provided, single submitter. Criteria: Invitae Variant Classification Sherloc (09022015). Collection method: clinical testing. Allele origin: germline.
Comment: This sequence change replaces valine, which is neutral and non-polar, with methionine, which is neutral and non-polar, at codon 1651 of the LAMA4 protein (p.Val1651Met). This variant is present in population databases (rs149555058, gnomAD 0.03%). This variant has not been reported in the literature in individuals affected with LAMA4-related conditions. ClinVar contains an entry for this variant (Variation ID: 541227). Invitae Evidence Modeling of protein sequence and biophysical properties (such as structural, functional, and spatial information, amino acid conservation, physicochemical variation, residue mobility, and thermodynamic stability) indicates that this missense variant is not expected to disrupt LAMA4 protein function with a negative predictive value of 80%. In summary, the available evidence is currently insufficient to determine the role of this variant in disease. Therefore, it has been classified as a Variant of Uncertain Significance.

Ambry Genetics
Classification: Uncertain significance for Cardiovascular phenotype. Last evaluated: 2021-11-04. Review status: criteria provided, single submitter. Criteria: Ambry Variant Classification Scheme 2023. Collection method: clinical testing. Allele origin: germline.
Comment: The p.V1651M variant (also known as c.4951G>A), located in coding exon 34 of the LAMA4 gene, results from a G to A substitution at nucleotide position 4951. The valine at codon 1651 is replaced by methionine, an amino acid with highly similar properties. This amino acid position is conserved. In addition, the in silico prediction for this alteration is inconclusive. Since supporting evidence is limited at this time, the clinical significance of this alteration remains unclear.

Fulgent Genetics
Classification: Uncertain significance for Dilated cardiomyopathy 1JJ. Last evaluated: 2021-08-13. Review status: criteria provided, single submitter. Criteria: ACMG Guidelines, 2015. Collection method: clinical testing. Allele origin: unknown.